The following is an entry in ClinVar:

ClinVar aggregate classification (germline): Uncertain significance (1 of 4 stars; one submission).

Conditions:
PLXNA1-related disorder. Also called: PLXNA1-related condition.

gnomAD v4.1: 10 of 1,590,458 alleles (0.00063%); highest among the groups gnomAD compares: South Asian, 0.011%; no homozygotes.

Submission:

PreventionGenetics, part of Exact Sciences
Classification: Uncertain significance for PLXNA1-related condition. Last evaluated: 2026-01-13. Review status: criteria provided, single submitter. Criteria: ACMG Guidelines, 2015. Collection method: clinical testing. Allele origin: germline.
Comment: The PLXNA1 c.151C>T variant is predicted to result in the amino acid substitution p.Leu51Phe. To our knowledge, this variant has not been reported in the literature. This variant is reported in 0.0075% of alleles in individuals of South Asian descent in gnomAD. At this time, the clinical significance of this variant is uncertain due to the absence of conclusive functional and genetic evidence.

NM_032242.4(PLXNA1):c.151C>T (p.Leu51Phe)

Gene: PLXNA1 (plexin A1; plus strand). Cytogenetic location: 3q21.3.
Variant type: single nucleotide variant.
Coding change: c.151C>T on transcript NM_032242.4 (MANE Select); coding-DNA position 151, C replaced by T.
Protein change: p.Leu51Phe; replaces leucine 51 with phenylalanine.
Molecular consequence: missense variant.
Genome position (GRCh38, 1-based): chr3:126,988,744, C>T. VCF-style: chr3-126988744-C-T. GRCh37 (hg19) VCF-style: chr3-126707587-C-T.
Other names: short protein forms L51F.
Identifiers: ClinVar variation 4988616 (VCV004988616.1).